The following is an entry in ClinVar:

NM_001854.4(COL11A1):c.3982C>A (p.Gln1328Lys)

Gene: COL11A1 (collagen type XI alpha 1 chain; minus strand). Cytogenetic location: 1p21.1.
Variant type: single nucleotide variant.
Coding change: c.3982C>A on transcript NM_001854.4 (MANE Select); coding-DNA position 3982, C replaced by A.
Protein change: p.Gln1328Lys; replaces glutamine 1328 with lysine.
Molecular consequence: missense variant. On other transcripts: non-coding transcript variant (1).
Genome position (GRCh38, 1-based): chr1:102,913,687, G>T on the plus strand (C>A on the coding strand, the complement: COL11A1 is on the minus strand). VCF-style: chr1-102913687-G-T. GRCh37 (hg19) VCF-style: chr1-103379243-G-T.
Other names: c.3865C>A, p.Gln1289Lys (NM_001190709.2); c.4018C>A, p.Gln1340Lys (NM_080629.3); c.3634C>A, p.Gln1212Lys (NM_080630.4); short protein forms Q1212K, Q1289K, Q1328K, Q1340K.
Identifiers: ClinVar variation 1189176 (VCV001189176.10), dbSNP rs750014974, ClinGen allele CA973726.

ClinVar aggregate classification (germline): Conflicting classifications of pathogenicity. Review status: criteria provided, conflicting classifications (1 of 4 stars). 2 submissions from 2 submitters: Uncertain significance (1); Likely benign (1). Last evaluated 2025-11-27.

Allele frequency attached by ClinVar (database versions not stated): gnomAD exomes 0.00001; ExAC 0.00002.
gnomAD v4.1: 17 of 1,613,028 alleles (0.0011%); highest among the groups gnomAD compares: Non-Finnish European, 0.0014%; no homozygotes.

Submissions (2):

Labcorp Genetics (formerly Invitae), Labcorp
Classification: Likely benign. Last evaluated: 2025-11-27. Review status: criteria provided, single submitter. Criteria: Invitae Variant Classification Sherloc (09022015). Collection method: clinical testing. Allele origin: germline.

GeneDx
Classification: Uncertain significance. Last evaluated: 2020-10-26. Review status: criteria provided, single submitter. Criteria: GeneDx Variant Classification Process June 2021. Collection method: clinical testing. Allele origin: germline. Affected: yes.
Comment: Not observed at a significant frequency in large population cohorts (Lek et al., 2016); In silico analysis supports that this missense variant does not alter protein structure/function; Has not been previously published as pathogenic or benign to our knowledge